The following is an entry in ClinVar:

NM_001127222.2(CACNA1A):c.5940+185G>A

Gene: CACNA1A (calcium voltage-gated channel subunit alpha1 A; minus strand). Cytogenetic location: 19p13.13.
Variant type: single nucleotide variant.
Coding change: c.5940+185G>A on transcript NM_001127222.2 (MANE Select); 185 bases into the intron after coding-DNA position 5940, G replaced by A.
Molecular consequence: intron variant.
Genome position (GRCh38, 1-based): chr19:13,214,048, C>T on the plus strand (G>A on the coding strand, the complement: CACNA1A is on the minus strand). VCF-style: chr19-13214048-C-T. GRCh37 (hg19) VCF-style: chr19-13324862-C-T.
Other names: c.5943+185G>A (NM_001127221.2); c.5949+185G>A (NM_001174080.2); c.5958+185G>A (NM_000068.4, NM_023035.3).
Identifiers: ClinVar variation 678195 (VCV000678195.1), dbSNP rs892017, ClinGen allele CA14670603.
Genomic context (GRCh38, chr19:13,214,048, plus strand): 5'-TGTTTTATTTTGTAGAGATGGAGTCTCACTGTGTTGCCCAGGGTGGTCTCATCCTGGTCT[C>T]AAACGATCCCTCTGCCCTGGCCTCTCAAAGCACTGAGATTGCAGGTGTGAGCTGCTGTGC-3'

ClinVar aggregate classification (germline): Benign (1 of 4 stars; one submission).

Allele frequency attached by ClinVar (database versions not stated): gnomAD exomes 0.81235; gnomAD 0.83244 and 0.83639; TOPMed 0.85492; 1000 Genomes Project 30x 0.89538; 1000 Genomes Project 0.89617.
gnomAD v4.1: 483,372 of 590,194 alleles (82%); highest among the groups gnomAD compares: African/African-American, 93%; 199,513 homozygotes.

Submission:

GeneDx
Classification: Benign. Last evaluated: 2018-06-14. Review status: criteria provided, single submitter. Criteria: GeneDx Variant Classification (06012015). Collection method: clinical testing. Allele origin: germline. Affected: yes.
Comment: This variant is considered likely benign or benign based on one or more of the following criteria: it is a conservative change, it occurs at a poorly conserved position in the protein, it is predicted to be benign by multiple in silico algorithms, and/or has population frequency not consistent with disease.